The following is an entry in ClinVar:

ClinVar aggregate classification (germline): Conflicting classifications of pathogenicity. Review status: criteria provided, conflicting classifications (1 of 4 stars). 14 submissions from 13 submitters: Uncertain significance (3); Likely benign (9). 2 of the submissions do not count toward it. Last evaluated 2026-02-02.

Conditions:
RPGRIP1-related disorder. Also called: RPGRIP1-related condition.
Retinal dystrophy. Also called: Inherited retinal dystrophy. Identifiers: Orphanet 71862, MedGen C0854723, MeSH D058499, MONDO:0019118, HP:0000556.
Cone-rod dystrophy 13 (CORD13). Identifiers: Orphanet 1872, MedGen C2750720, MONDO:0011987, OMIM 608194.
Leber congenital amaurosis 6 (LCA6). Identifiers: Orphanet 65, MedGen C1854260, MONDO:0013446, OMIM 613826.

Allele frequency attached by ClinVar (database versions not stated): 1000 Genomes Project 0.00060; 1000 Genomes Project 30x 0.00062; TOPMed 0.00143; gnomAD 0.00151 and 0.00155; ExAC 0.00161; gnomAD exomes 0.00168 and 0.00273; ESP Exome Variant Server 0.00174.
gnomAD v4.1: 4,160 of 1,612,198 alleles (0.26%); highest among the groups gnomAD compares: Non-Finnish European, 0.32%; 3 homozygotes.

Submissions (14):

Labcorp Genetics (formerly Invitae), Labcorp
Classification: Likely benign for Leber congenital amaurosis 6; Cone-rod dystrophy 13. Last evaluated: 2026-02-02. Review status: criteria provided, single submitter. Criteria: Invitae Variant Classification Sherloc (09022015). Collection method: clinical testing. Allele origin: germline.

PreventionGenetics, part of Exact Sciences
Classification: Likely benign for RPGRIP1-related condition. Last evaluated: 2024-12-13. Review status: criteria provided, single submitter. Criteria: ACMG Guidelines, 2015. Collection method: clinical testing. Allele origin: germline.
Comment: This variant is classified as likely benign based on ACMG/AMP sequence variant interpretation guidelines (Richards et al. 2015 PMID: 25741868, with internal and published modifications).

Blueprint Genetics
Classification: Likely benign. Last evaluated: 2024-11-22. Review status: criteria provided, single submitter. Criteria: ACMG Guidelines, 2015. Collection method: clinical testing. Allele origin: germline.

CeGaT Center for Human Genetics Tuebingen
Classification: Likely benign. Last evaluated: 2024-08-01. Review status: criteria provided, single submitter. Criteria: CeGaT Center For Human Genetics Tuebingen Variant Classification Criteria Version 2. Collection method: clinical testing. Allele origin: germline. Affected: yes. Observed: 1 variant allele.
Comment: RPGRIP1: BP4, BS2

Women's Health and Genetics/Laboratory Corporation of America, LabCorp
Classification: Likely benign. Last evaluated: 2022-07-14. Review status: criteria provided, single submitter. Criteria: LabCorp Variant Classification Summary - May 2015. Collection method: clinical testing. Allele origin: germline.
Comment: Variant summary: RPGRIP1 c.1753C>T (p.Pro585Ser) results in a non-conservative amino acid change in the encoded protein sequence. Three of five in-silico tools predict a benign effect of the variant on protein function. The variant allele was found at a frequency of 0.0017 in 248042 control chromosomes, predominantly at a frequency of 0.0028 within the Non-Finnish European subpopulation in the gnomAD database. The observed variant frequency within Non-Finnish European control individuals in the gnomAD database is approximately 3 fold of the estimated maximal expected allele frequency for a pathogenic variant in RPGRIP1 causing Leber Congenital Amaurosis phenotype (0.0011), strongly suggesting that the variant is a benign polymorphism found primarily in populations of Non-Finnish European origin. c.1753C>T has been reported in the literature in individuals affected with Leber Congenital Amaurosis, Primary Open-Angle Glaucoma or Retinitis Pigmentosa (Wiszniewski_2010, Fernndez-Martnez_2011, Ge_2015, Wang_2017). These reports do not provide unequivocal conclusions about association of the variant with Leber Congenital Amaurosis. To our knowledge, no experimental evidence demonstrating an impact on protein function has been reported. Six ClinVar submitters (evaluation after 2014) cite the variant as uncertain significance (n=2) and likely benign (n=4). Based on the evidence outlined above, the variant was classified as likely benign.

Genome-Nilou Lab
Classification: Likely benign for Leber congenital amaurosis 6. Last evaluated: 2021-11-07. Review status: criteria provided, single submitter. Criteria: ACMG Guidelines, 2015. Collection method: clinical testing. Allele origin: germline. Affected: no.

Genome-Nilou Lab
Classification: Likely benign for Cone-rod dystrophy 13. Last evaluated: 2021-11-07. Review status: criteria provided, single submitter. Criteria: ACMG Guidelines, 2015. Collection method: clinical testing. Allele origin: germline. Affected: no.

Fulgent Genetics
Classification: Uncertain significance for Cone-rod dystrophy 13; Leber congenital amaurosis 6. Last evaluated: 2018-10-31. Review status: criteria provided, single submitter. Criteria: ACMG Guidelines, 2015. Collection method: clinical testing. Allele origin: unknown.

GeneDx
Classification: Likely benign. Last evaluated: 2018-06-14. Review status: criteria provided, single submitter. Criteria: GeneDx Variant Classification (06012015). Collection method: clinical testing. Allele origin: germline. Affected: yes.
Comment: This variant is considered likely benign or benign based on one or more of the following criteria: it is a conservative change, it occurs at a poorly conserved position in the protein, it is predicted to be benign by multiple in silico algorithms, and/or has population frequency not consistent with disease.

Illumina Laboratory Services, Illumina
Classification: Likely benign for Leber congenital amaurosis 6. Last evaluated: 2017-04-27. Review status: criteria provided, single submitter. Criteria: ICSL Variant Classification Criteria 13 December 2019. Collection method: clinical testing. Allele origin: germline.
Comment: This variant was observed as part of a predisposition screen in an ostensibly healthy population. A literature search was performed for the gene, cDNA change, and amino acid change (where applicable). Publications were found based on this search. The evidence from the literature, in combination with allele frequency data from public databases where available, was sufficient to determine this variant is unlikely to cause disease. Therefore, this variant is classified as likely benign.

Eurofins Ntd Llc (ga)
Classification: Uncertain significance. Last evaluated: 2017-04-17. Review status: criteria provided, single submitter. Criteria: EGL Classification Definitions 2015. Collection method: clinical testing. Allele origin: germline. Observed: 3 variant alleles, 3 heterozygotes.

Institute of Human Genetics, Univ. Regensburg, Univ. Regensburg
Classification: Uncertain significance for Retinal dystrophy. Last evaluated: 2017-01-01. Review status: criteria provided, single submitter. Criteria: ACMG Guidelines, 2015. Collection method: clinical testing. Allele origin: germline. Affected: yes.

Clinical Genetics, Academic Medical Center
Classification: Likely benign. Review status: no assertion criteria provided. Collection method: clinical testing. Allele origin: germline. Affected: yes. Study: VKGL Data-share Consensus. Not counted in ClinVar's aggregate classification.

Laboratory of Diagnostic Genome Analysis, Leiden University Medical Center (LUMC)
Classification: Likely benign. Review status: no assertion criteria provided. Collection method: clinical testing. Allele origin: germline. Affected: yes. Study: VKGL Data-share Consensus. Not counted in ClinVar's aggregate classification.

Literature cited by the submitters: PubMed 21153841 (cited by 3 submitters); PubMed 17964524 (cited by Women's Health and Genetics/Laboratory Corporation of America, LabCorp and Illumina Laboratory Services, Illumina); PubMed 21224891 (cited by Women's Health and Genetics/Laboratory Corporation of America, LabCorp and Institute of Human Genetics, Univ. Regensburg, Univ. Regensburg); PubMed 26667666 (cited by Women's Health and Genetics/Laboratory Corporation of America, LabCorp and Institute of Human Genetics, Univ. Regensburg, Univ. Regensburg); PubMed 14971589 (cited by Women's Health and Genetics/Laboratory Corporation of America, LabCorp); PubMed 28838317 (cited by Women's Health and Genetics/Laboratory Corporation of America, LabCorp).

NM_020366.4(RPGRIP1):c.1753C>T (p.Pro585Ser)

Gene: RPGRIP1 (RPGR interacting protein 1; plus strand). Cytogenetic location: 14q11.2.
Variant type: single nucleotide variant.
Coding change: c.1753C>T on transcript NM_020366.4 (MANE Select); coding-DNA position 1753, C replaced by T.
Protein change: p.Pro585Ser; replaces proline 585 with serine.
Molecular consequence: missense variant.
Genome position (GRCh38, 1-based): chr14:21,321,995, C>T. VCF-style: chr14-21321995-C-T. GRCh37 (hg19) VCF-style: chr14-21790154-C-T.
Other names: c.679C>T, p.Pro227Ser (NM_001377523.1, NM_001377948.1, NM_001377949.1 and 1 more transcripts); c.181C>T, p.Pro61Ser (NM_001377951.1); short protein forms P585S, P227S, P61S.
Identifiers: ClinVar variation 283795 (VCV000283795.46), dbSNP rs147586703, ClinGen allele CA7089060.